The following is an entry in ClinVar:

ClinVar aggregate classification (germline): Uncertain significance (1 of 4 stars; one submission).

Allele frequency attached by ClinVar (database versions not stated): gnomAD 0.00002.
gnomAD v4.1: 15 of 1,612,528 alleles (0.00093%); highest among the groups gnomAD compares: Middle Eastern, 0.02%; no homozygotes.

Submission:

Labcorp Genetics (formerly Invitae), Labcorp
Classification: Uncertain significance. Last evaluated: 2024-10-15. Review status: criteria provided, single submitter. Criteria: Invitae Variant Classification Sherloc (09022015). Collection method: clinical testing. Allele origin: germline.
Comment: This sequence change replaces isoleucine, which is neutral and non-polar, with threonine, which is neutral and polar, at codon 300 of the BRD4 protein (p.Ile300Thr). This variant is present in population databases (rs202135404, gnomAD 0.004%). This variant has not been reported in the literature in individuals affected with BRD4-related conditions. ClinVar contains an entry for this variant (Variation ID: 2094962). An algorithm developed to predict the effect of missense changes on protein structure and function (PolyPhen-2) suggests that this variant is likely to be tolerated. In summary, the available evidence is currently insufficient to determine the role of this variant in disease. Therefore, it has been classified as a Variant of Uncertain Significance.

NM_001379291.1(BRD4):c.899T>C (p.Ile300Thr)

Gene: BRD4 (bromodomain containing 4; minus strand). Cytogenetic location: 19p13.12.
Variant type: single nucleotide variant.
Coding change: c.899T>C on transcript NM_001379291.1 (MANE Select); coding-DNA position 899, T replaced by C.
Protein change: p.Ile300Thr; replaces isoleucine 300 with threonine.
Molecular consequence: missense variant.
Genome position (GRCh38, 1-based): chr19:15,264,717, A>G on the plus strand (T>C on the coding strand, the complement: BRD4 is on the minus strand). VCF-style: chr19-15264717-A-G. GRCh37 (hg19) VCF-style: chr19-15375528-A-G.
Other names: c.899T>C, p.Ile300Thr (NM_001330384.2, NM_001379292.1, NM_014299.3 and 1 more transcripts); short protein forms I300T.
Identifiers: ClinVar variation 2094962 (VCV002094962.4), dbSNP rs202135404, ClinGen allele CA305775580.